The following is an entry in ClinVar:

ClinVar aggregate classification (germline): Uncertain significance (1 of 4 stars; one submission).

Conditions:
Hereditary cancer-predisposing syndrome. Also called: Neoplastic Syndromes, Hereditary; Hereditary Cancer Syndrome; Tumor predisposition; Hereditary neoplastic syndrome. Identifiers: Orphanet 140162, MedGen C0027672, MeSH D009386, MONDO:0015356.

gnomAD v4.1: 1 of 1,614,188 alleles (0.000062%); highest among the groups gnomAD compares: South Asian, 0.0011%; no homozygotes.

Submission:

Ambry Genetics
Classification: Uncertain significance for Hereditary cancer-predisposing syndrome. Last evaluated: 2025-02-20. Review status: criteria provided, single submitter. Criteria: Ambry Variant Classification Scheme 2023. Collection method: clinical testing. Allele origin: germline.
Comment: The p.G2092D variant (also known as c.6275G>A), located in coding exon 45 of the POLE gene, results from a G to A substitution at nucleotide position 6275. The glycine at codon 2092 is replaced by aspartic acid, an amino acid with similar properties. This amino acid position is conserved. In addition, this alteration is predicted to be deleterious by in silico analysis. Based on the available evidence, the clinical significance of this variant remains unclear.

NM_006231.4(POLE):c.6275G>A (p.Gly2092Asp)

Gene: POLE (DNA polymerase epsilon, catalytic subunit; minus strand). Cytogenetic location: 12q24.33.
Variant type: single nucleotide variant.
Coding change: c.6275G>A on transcript NM_006231.4 (MANE Select); coding-DNA position 6275, G replaced by A.
Protein change: p.Gly2092Asp; replaces glycine 2092 with aspartic acid.
Molecular consequence: missense variant.
Genome position (GRCh38, 1-based): chr12:132,632,370, C>T on the plus strand (G>A on the coding strand, the complement: POLE is on the minus strand). VCF-style: chr12-132632370-C-T. GRCh37 (hg19) VCF-style: chr12-133208956-C-T.
Other names: short protein forms G2092D.
Identifiers: ClinVar variation 3781593 (VCV003781593.1).
Genomic context (GRCh38, chr12:132,632,370, plus strand): 5'-CTCACCTTGCACACGTATTTGATGAACTCCAGGGCAGGGTTATTGAGCAGCAAGTGGGAA[C>T]CGGGGAGGACAGGAAACATCTCTGAGAGCTCAGTGGAGTTCCGAGAGCCTGTGACTTTCT-3'
Protein context (NP_006222.2, residues 2082-2102): ELSEMFPVLP[Gly2092Asp]SHLLLNNPAL